The following is an entry in ClinVar:

ClinVar aggregate classification (germline): Pathogenic/Likely pathogenic. Review status: criteria provided, multiple submitters, no conflicts (2 of 4 stars). 3 submissions from 3 submitters: Pathogenic (2); Likely pathogenic (1). Last evaluated 2024-08-21.

Conditions:
Usher syndrome type 1F (USH1F). Also called: USHER SYNDROME, TYPE IF. Identifiers: Orphanet 231169, Orphanet 886, MedGen C1865885, MONDO:0011186, OMIM 602083.
Usher syndrome type 1D (USH1D). Also called: USHER SYNDROME, TYPE ID. Identifiers: Orphanet 231169, Orphanet 886, MedGen C1832845, MONDO:0010984, OMIM 601067.
Autosomal recessive nonsyndromic hearing loss 23. Identifiers: Orphanet 90636, MedGen C1836027, MONDO:0012293, OMIM 609533.

Submissions (3):

Myriad Genetics, Inc.
Classification: Pathogenic for Usher syndrome type 1F. Last evaluated: 2024-08-21. Review status: criteria provided, single submitter. Criteria: Myriad Autosomal Dominant, Autosomal Recessive and X-Linked Classification Criteria (2023). Collection method: clinical testing. Allele origin: unknown.
Comment: NM_033056.3(PCDH15):c.561dupA(E188Rfs*7) is expected to be pathogenic in the context of PCDH15-related disorders. This variant is predicted to lead to an abnormal or absent protein product due to the creation of a premature termination codon in PCDH15, a gene where loss-of-function variants are known to be pathogenic. Please note: this variant was assessed in the context of healthy population screening.

Fulgent Genetics
Classification: Likely pathogenic for Usher syndrome type 1D; Usher syndrome type 1F; Autosomal recessive nonsyndromic hearing loss 23. Last evaluated: 2024-05-06. Review status: criteria provided, single submitter. Criteria: ACMG Guidelines, 2015. Collection method: clinical testing. Allele origin: germline.

Labcorp Genetics (formerly Invitae), Labcorp
Classification: Pathogenic. Last evaluated: 2021-02-16. Review status: criteria provided, single submitter. Criteria: Invitae Variant Classification Sherloc (09022015). Collection method: clinical testing. Allele origin: germline.
Comment: This variant has not been reported in the literature in individuals with PCDH15-related conditions. This sequence change creates a premature translational stop signal (p.Glu188Argfs*7) in the PCDH15 gene. It is expected to result in an absent or disrupted protein product. Loss-of-function variants in PCDH15 are known to be pathogenic (PMID: 11398101, 11487575, 14570705). This variant is not present in population databases (ExAC no frequency). For these reasons, this variant has been classified as Pathogenic.

Literature cited by the submitters: PubMed 11398101 (cited by Labcorp Genetics (formerly Invitae), Labcorp); PubMed 11487575 (cited by Labcorp Genetics (formerly Invitae), Labcorp); PubMed 14570705 (cited by Labcorp Genetics (formerly Invitae), Labcorp).

NM_001384140.1(PCDH15):c.561dup (p.Glu188fs)

Gene: PCDH15 (protocadherin related 15; minus strand). Cytogenetic location: 10q21.1.
Variant type: Duplication.
Coding change: c.561dup on transcript NM_001384140.1 (MANE Select); coding-DNA position 561, one base duplicated (A; older notation c.561dupA).
Protein change: p.Glu188fs; shifts the reading frame from glutamic acid 188.
Molecular consequence: frameshift variant.
Genome position (GRCh38, 1-based): chr10:54,346,398, T duplicated on the plus strand (A on the coding strand, the reverse complement: PCDH15 is on the minus strand). VCF-style (leftmost placement, unchanged base first): chr10-54346397-C-CT. GRCh37 (hg19) VCF-style: chr10-56106157-C-CT.
Other names: c.561dup, p.Glu188fs (NM_001142770.3, NM_001142772.2, NM_001354411.2 and 8 more transcripts); c.576dup, p.Glu193fs (NM_001142771.2, NM_001142763.2); c.495dup, p.Glu166fs (NM_001142773.2, NM_001354404.2, NM_001142768.2); c.576dup, p.Glu193Argfs (NM_001142769.4); short protein forms E188fs, E166fs, E193fs.
Identifiers: ClinVar variation 1404217 (VCV001404217.8), dbSNP rs2134175729, ClinGen allele CA2573145247.